The following is an entry in ClinVar:

NM_017514.5(PLXNA3):c.95C>T (p.Thr32Met)

Gene: PLXNA3 (plexin A3; plus strand). Cytogenetic location: Xq28.
Variant type: single nucleotide variant.
Coding change: c.95C>T on transcript NM_017514.5 (MANE Select); coding-DNA position 95, C replaced by T.
Protein change: p.Thr32Met; replaces threonine 32 with methionine.
Molecular consequence: missense variant.
Genome position (GRCh38, 1-based): chrX:154,460,278, C>T. VCF-style: chrX-154460278-C-T. GRCh37 (hg19) VCF-style: chrX-153688618-C-T.
Other names: short protein forms T32M.
Identifiers: ClinVar variation 2209281 (VCV002209281.3), dbSNP rs144427846, ClinGen allele CA10563592.

ClinVar aggregate classification (germline): Uncertain significance. Review status: criteria provided, single submitter (1 of 4 stars). 2 submissions from 2 submitters: Uncertain significance (1). 1 of the submissions does not count toward it. Last evaluated 2022-12-06.

Conditions:
PLXNA3-related disorder. Also called: PLXNA3-related condition.

Allele frequency attached by ClinVar (database versions not stated): TOPMed 0.00004; gnomAD 0.00005; gnomAD exomes 0.00005; ExAC 0.00007; ESP Exome Variant Server 0.00019.
gnomAD v4.1: 63 of 1,207,433 alleles (0.0052%); highest among the groups gnomAD compares: East Asian, 0.062%; no homozygotes.

Submissions (2):

Ambry Genetics
Classification: Uncertain significance. Last evaluated: 2022-12-06. Review status: criteria provided, single submitter. Criteria: Ambry Variant Classification Scheme 2023. Collection method: clinical testing. Allele origin: germline.

PreventionGenetics, part of Exact Sciences
Classification: Uncertain significance for PLXNA3-related condition. Last evaluated: 2024-08-08. Review status: no assertion criteria provided. Collection method: clinical testing. Allele origin: germline. Not counted in ClinVar's aggregate classification.
Comment: The PLXNA3 c.95C>T variant is predicted to result in the amino acid substitution p.Thr32Met. To our knowledge, this variant has not been reported in the literature. This variant is reported in 0.047% of alleles in individuals of East Asian descent in gnomAD. At this time, the clinical significance of this variant is uncertain due to the absence of conclusive functional and genetic evidence.